The following is an entry in ClinVar:

ClinVar aggregate classification (germline): Pathogenic (1 of 4 stars; one submission).

Conditions:
Hereditary cancer-predisposing syndrome. Also called: Neoplastic Syndromes, Hereditary; Hereditary Cancer Syndrome; Hereditary neoplastic syndrome; Tumor predisposition. Identifiers: Orphanet 140162, MedGen C0027672, MeSH D009386, MONDO:0015356.

Submission:

Ambry Genetics
Classification: Pathogenic for Hereditary cancer-predisposing syndrome. Last evaluated: 2023-06-08. Review status: criteria provided, single submitter. Criteria: Ambry Variant Classification Scheme 2023. Collection method: clinical testing. Allele origin: germline.
Comment: The p.K224* pathogenic mutation (also known as c.670A>T), located in coding exon 4 of the CHEK2 gene, results from an A to T substitution at nucleotide position 670. This changes the amino acid from a lysine to a stop codon within coding exon 4. This variant is considered to be rare based on population cohorts in the Genome Aggregation Database (gnomAD). This alteration is expected to result in loss of function by premature protein truncation or nonsense-mediated mRNA decay. As such, this alteration is interpreted as a disease-causing mutation.

NM_007194.4(CHEK2):c.670A>T (p.Lys224Ter)

Gene: CHEK2 (checkpoint kinase 2; minus strand). Cytogenetic location: 22q12.1.
Variant type: single nucleotide variant.
Coding change: c.670A>T on transcript NM_007194.4 (MANE Select); coding-DNA position 670, A replaced by T.
Protein change: p.Lys224Ter; replaces lysine 224 with a stop codon.
Molecular consequence: nonsense. On other transcripts: intron variant (1).
Genome position (GRCh38, 1-based): chr22:28,719,408, T>A on the plus strand (A>T on the coding strand, the complement: CHEK2 is on the minus strand). VCF-style: chr22-28719408-T-A. GRCh37 (hg19) VCF-style: chr22-29115396-T-A.
Other names: c.799A>T, p.Lys267Ter (NM_001005735.3, NM_001438294.1); c.7A>T, p.Lys3Ter (NM_001257387.3, NM_001437942.1); c.763A>T, p.Lys255Ter (NM_001438293.1, NM_001438295.1); c.670A>T, p.Lys224Ter (NM_145862.3); c.482+5478A>T (NM_001349956.3); short protein forms K267*, K3*, K224*, K255*.
Identifiers: ClinVar variation 2566547 (VCV002566547.2), dbSNP rs2146004927, ClinGen allele CA411104878.